The following is an entry in ClinVar:

NM_206933.4(USH2A):c.5167+1G>T

Genes: USH2A (usherin; minus strand), USH2A-AS2 (USH2A antisense RNA 2; plus strand). Cytogenetic location: 1q41.
Variant type: single nucleotide variant.
Coding change: c.5167+1G>T on transcript NM_206933.4 (MANE Select); the canonical splice donor site of the intron after coding-DNA position 5167, G replaced by T.
Molecular consequence: splice donor variant.
Genome position (GRCh38, 1-based): chr1:216,084,697, C>A on the plus strand (G>T on the coding strand, the complement: USH2A is on the minus strand). VCF-style: chr1-216084697-C-A. GRCh37 (hg19) VCF-style: chr1-216258039-C-A.
Identifiers: ClinVar variation 195916 (VCV000195916.12), dbSNP rs794727408, ClinGen allele CA275134.

ClinVar aggregate classification (germline): Pathogenic/Likely pathogenic. Review status: criteria provided, multiple submitters, no conflicts (2 of 4 stars). 3 submissions from 3 submitters: Pathogenic (1); Likely pathogenic (2). Last evaluated 2023-04-11.

Conditions:
Usher syndrome type 2A. Also called: RETINAL DISEASE IN USHER SYNDROME TYPE IIA, MODIFIER OF; USHER SYNDROME, TYPE IIA. Identifiers: Orphanet 231178, Orphanet 886, MedGen C1848634, MONDO:0010169, OMIM 276901.

Submissions (3):

Genome-Nilou Lab
Classification: Likely pathogenic for Usher syndrome type 2A. Last evaluated: 2023-04-11. Review status: criteria provided, single submitter. Criteria: ACMG Guidelines, 2015. Collection method: clinical testing. Allele origin: germline. Affected: no.

Labcorp Genetics (formerly Invitae), Labcorp
Classification: Likely pathogenic. Last evaluated: 2020-06-09. Review status: criteria provided, single submitter. Criteria: Invitae Variant Classification Sherloc (09022015). Collection method: clinical testing. Allele origin: germline.
Comment: In summary, the currently available evidence indicates that the variant is pathogenic, but additional data are needed to prove that conclusively. Therefore, this variant has been classified as Likely Pathogenic. Donor and acceptor splice site variants typically lead to a loss of protein function (PMID: 16199547), and loss-of-function variants in USH2A are known to be pathogenic (PMID: 10729113, 10909849, 20507924, 25649381). Algorithms developed to predict the effect of sequence changes on RNA splicing suggest that this variant may disrupt the consensus splice site, but this prediction has not been confirmed by published transcriptional studies. This variant has not been reported in the literature in individuals with USH2A-related conditions. ClinVar contains an entry for this variant (Variation ID: 195916). This variant is not present in population databases (ExAC no frequency). This sequence change affects a donor splice site in intron 25 of the USH2A gene. It is expected to disrupt RNA splicing and likely results in an absent or disrupted protein product.

Eurofins Ntd Llc (ga)
Classification: Pathogenic. Last evaluated: 2015-05-06. Review status: criteria provided, single submitter. Criteria: EGL Classification Definitions 2015. Collection method: clinical testing. Allele origin: germline. Observed: 2 variant alleles, 2 heterozygotes.

Literature cited by the submitters: PubMed 16199547 (cited by Labcorp Genetics (formerly Invitae), Labcorp); PubMed 10729113 (cited by Labcorp Genetics (formerly Invitae), Labcorp); PubMed 10909849 (cited by Labcorp Genetics (formerly Invitae), Labcorp); PubMed 20507924 (cited by Labcorp Genetics (formerly Invitae), Labcorp); PubMed 25649381 (cited by Labcorp Genetics (formerly Invitae), Labcorp).